The following is an entry in ClinVar:

NM_000218.3(KCNQ1):c.1663C>A (p.Arg555Ser)

Gene: KCNQ1 (potassium voltage-gated channel subfamily Q member 1; plus strand). Cytogenetic location: 11p15.5.
Variant type: single nucleotide variant.
Coding change: c.1663C>A on transcript NM_000218.3 (MANE Select); coding-DNA position 1663, C replaced by A.
Protein change: p.Arg555Ser; replaces arginine 555 with serine.
Molecular consequence: missense variant.
Genome position (GRCh38, 1-based): chr11:2,776,032, C>A. VCF-style: chr11-2776032-C-A. GRCh37 (hg19) VCF-style: chr11-2797262-C-A.
Other names: c.1663C>A (LRG_287t1); c.1567C>A, p.Arg523Ser (NM_001406836.1); c.1393C>A, p.Arg465Ser (NM_001406837.1); c.1123C>A, p.Arg375Ser (NM_001406838.1); c.1282C>A, p.Arg428Ser (NM_181798.2); short protein forms R555S, R428S, R375S, R465S, R523S.
Identifiers: ClinVar variation 67046 (VCV000067046.16), dbSNP rs120074185, ClinGen allele CA006138.

ClinVar aggregate classification (germline): Pathogenic/Likely pathogenic. Review status: criteria provided, multiple submitters, no conflicts (2 of 4 stars). 8 submissions from 8 submitters: Pathogenic (2); Likely pathogenic (5). 1 of the submissions does not count toward it. Last evaluated 2025-11-16.

Conditions:
KCNQ1-related disorder. Also called: KCNQ1-related condition; KCNQ1-related disorders. Identifiers: MedGen CN239322.
Cardiac arrhythmia. Also called: Arrhythmia; Cardiac rhythm disease. Identifiers: MedGen C0003811, MONDO:0007263, HP:0011675.
Familial long QT syndrome (RWS). Also called: Congenital long QT syndrome; Romano-Ward syndrome; VENTRICULAR FIBRILLATION WITH PROLONGED QT INTERVAL. Identifiers: Orphanet 768, MedGen C1141890, MONDO:0019171.
Long QT syndrome (LQTS). Identifiers: MedGen C0023976, MeSH D008133, MONDO:0002442. Disease mechanism: loss of function. Inheritance: Various modes of inheritance.
Long QT syndrome 1 (LQT1). Identifiers: Orphanet 101016, Orphanet 768, MedGen C4551647, MONDO:0100316, OMIM 192500, MONDO:0008646.

gnomAD v4.1: 6 of 1,568,650 alleles (0.00038%); highest among the groups gnomAD compares: South Asian, 0.0035%; no homozygotes.

Submissions (8):

Victorian Clinical Genetics Services, Murdoch Childrens Research Institute
Classification: Pathogenic for Long QT syndrome 1. Last evaluated: 2025-11-16. Review status: criteria provided, single submitter. Criteria: ACMG Guidelines, 2015. Collection method: clinical testing. Allele origin: germline.
Comment: This variant is classified as Pathogenic. Evidence in support of pathogenic classification: Variant is present in gnomAD (v2) <0.01 (2 heterozygotes, 0 homozygotes); This variant has moderate previous evidence of pathogenicity in unrelated individuals. This variant has been classified as likely pathogenic or pathogenic by clinical diagnostic laboratories (ClinVar, VCGS Internal database) and has been identified in multiple individuals with long QT syndrome, and as homozygous or compound heterozygous in individuals with JLNS (PMIDs: 19716085, 28606196, 32383558); Other missense variants comparable to the one identified in this case have very strong previous evidence for pathogenicity. p.(Arg555Cys) and p.(Arg555His) have been classified as likely pathogenic and pathogenic by multiple clinical diagnostic laboratories (ClinVar; PMID: 19716085)); Missense variant consistently predicted to be damaging by multiple in silico tools and highly conserved with a major amino acid change. Additional information: Variant is predicted to result in a missense amino acid change from arginine to serine; This variant is heterozygous; This gene is known to be associated with both recessive and dominant disease. JLNS is characterised by congenital, bilateral deafness and variable degrees of QT prolongation, and is the only condition caused by biallelic variants (PMID: 28438721); Multiple alternative amino acid changes at the same position have been observed in gnomAD (v2) (highest allele count: 4 heterozygotes, 0 homozygotes); No published segregation evidence has been identified for this variant; No published functional evidence has been identified for this variant; Variant is located in the annotated KCNQ channel domain (DECIPHER); Dominant negative, loss of function and gain of function are known mechanisms of disease in this gene. Gain of function variants result exclusively in short QT syndrome 2 (MIM#609621), while dominant negative and loss of function variants can cause long QT syndrome 1 (LQTS, MIM#192500), familial atrial fibrillation 3 (MIM#607554) as well as Jervell and Lange-Nielsen syndrome (JLNS, MIM#220400) (OMIM, PMIDs: 19632626, 28438721); The condition associated with this gene has incomplete penetrance (OMIM, PMID: 20301308); Inheritance information for this variant is not currently available in this individual.

All of Us Research Program, National Institutes of Health
Classification: Likely pathogenic for Long QT syndrome. Last evaluated: 2023-10-23. Review status: criteria provided, single submitter. Criteria: ACMG Guidelines, 2015. Collection method: clinical testing. Allele origin: germline. Inheritance: Autosomal dominant inheritance. Observed: 3 variant alleles, 3 heterozygotes.
Comment: This missense variant replaces arginine with serine at codon 555 of the KCNQ1 protein. Computational prediction suggests that this variant may have deleterious impact on protein structure and function (internally defined REVEL score threshold >= 0.7, PMID: 27666373). Splice site prediction tools suggest that this variant may impact RNA splicing. This variant is found within a highly conserved region of C-terminal cytoplasmic domain. Rare nontruncating variants in this region have been shown to be significantly overrepresented in individuals with long QT syndrome (PMID: 32893267). To our knowledge, functional studies have not been reported for this variant. This variant has been reported in two individuals suspected of having long QTS syndrome (PMID: 19716085, 32383558). This variant has also been observed either in the homozygous or compound heterozygous state in two unrelated individuals affected with autosomal recessive Jervell and Lange-Nielsen syndrome (PMID: 28606196, 32383558), indicating that this variant contributes to disease. Different missense variants occurring at the same codon, p.Arg555Cys and p.Arg555His, are known to be pathogenic (Clinvar variation ID 41835, 173188), indicating that arginine at this position is important for KCNQ1 protein function. This variant has been identified in 2/179696 chromosomes in the general population by the Genome Aggregation Database (gnomAD). Based on the available evidence, this variant is classified as Likely Pathogenic.

This study involves interpretation of variants in research participants for the purpose of population health screening. Participant phenotype was not available at the time of variant classification. Additional details can be found in publication PMID: 35346344, PMCID: PMC8962531

Color Diagnostics, LLC DBA Color Health
Classification: Likely pathogenic for Cardiac arrhythmia. Last evaluated: 2023-09-07. Review status: criteria provided, single submitter. Criteria: ACMG Guidelines, 2015. Collection method: clinical testing. Allele origin: germline.
Comment: This missense variant replaces arginine with serine at codon 555 of the KCNQ1 protein. Computational prediction suggests that this variant may have deleterious impact on protein structure and function (internally defined REVEL score threshold >= 0.7, PMID: 27666373). Splice site prediction tools suggest that this variant may impact RNA splicing. This variant is found within a highly conserved region of C-terminal cytoplasmic domain. Rare nontruncating variants in this region have been shown to be significantly overrepresented in individuals with long QT syndrome (PMID: 32893267). To our knowledge, functional studies have not been reported for this variant. This variant has been reported in two individuals suspected of having long QTS syndrome (PMID: 19716085, 32383558). This variant has also been observed either in the homozygous or compound heterozygous state in two unrelated individuals affected with autosomal recessive Jervell and Lange-Nielsen syndrome (PMID: 28606196, 32383558), indicating that this variant contributes to disease. Different missense variants occurring at the same codon, p.Arg555Cys and p.Arg555His, are known to be pathogenic (Clinvar variation ID 41835, 173188), indicating that arginine at this position is important for KCNQ1 protein function. This variant has been identified in 2/179696 chromosomes in the general population by the Genome Aggregation Database (gnomAD). Based on the available evidence, this variant is classified as Likely Pathogenic.

Labcorp Genetics (formerly Invitae), Labcorp
Classification: Pathogenic for Long QT syndrome. Last evaluated: 2023-07-17. Review status: criteria provided, single submitter. Criteria: Invitae Variant Classification Sherloc (09022015). Collection method: clinical testing. Allele origin: germline.
Comment: Advanced modeling of protein sequence and biophysical properties (such as structural, functional, and spatial information, amino acid conservation, physicochemical variation, residue mobility, and thermodynamic stability) performed at Invitae indicates that this missense variant is expected to disrupt KCNQ1 protein function. ClinVar contains an entry for this variant (Variation ID: 67046). This missense change has been observed in individuals with long QT syndrome (PMID: 19716085, 32383558; Invitae). The frequency data for this variant in the population databases is considered unreliable, as metrics indicate poor data quality at this position in the gnomAD database. This sequence change replaces arginine, which is basic and polar, with serine, which is neutral and polar, at codon 555 of the KCNQ1 protein (p.Arg555Ser). For these reasons, this variant has been classified as Pathogenic. This variant disrupts the p.Arg555 amino acid residue in KCNQ1. Other variant(s) that disrupt this residue have been determined to be pathogenic (PMID: 2313012, 9386136, 14998624, 22949429, 23098067). This suggests that this residue is clinically significant, and that variants that disrupt this residue are likely to be disease-causing. Algorithms developed to predict the effect of sequence changes on RNA splicing suggest that this variant may disrupt the consensus splice site.

Laboratory for Molecular Medicine, Mass General Brigham Personalized Medicine
Classification: Likely pathogenic for Familial long QT syndrome. Last evaluated: 2023-06-01. Review status: criteria provided, single submitter. Criteria: ACMG Guidelines, 2015. Collection method: clinical testing. Allele origin: germline. Inheritance: Autosomal dominant inheritance.
Comment: proposed classification - variant undergoing re-assessment, contact laboratory

Blueprint Genetics
Classification: Likely pathogenic for KCNQ1-related disorders. Last evaluated: 2021-06-21. Review status: criteria provided, single submitter. Criteria: ACMG Guidelines, 2015. Collection method: clinical testing. Allele origin: germline. Affected: yes. Observed: 5 variant alleles.

GeneDx
Classification: Likely pathogenic. Last evaluated: 2020-03-11. Review status: criteria provided, single submitter. Criteria: GeneDx Variant Classification Process June 2021. Collection method: clinical testing. Allele origin: germline. Affected: yes.
Comment: Reported in an individual referred for LQTS genetic testing (Kapplinger et al., 2009); Not observed at a significant frequency in large population cohorts (Lek et al., 2016); At the protein level, in silico analysis supports that this missense variant has a deleterious effect on protein structure/function; At the mRNA level, in silico analysis suggests this variant may impact gene splicing; in the absence of RNA/functional studies, the actual effect of this sequence change is unknown; This variant is associated with the following publications: (PMID: 15746441, 25854863, 19716085, 28606196, 32383558)

Cardiovascular Biomedical Research Unit, Royal Brompton & Harefield NHS Foundation Trust
No classification provided. Condition: Familial long QT syndrome. Review status: no classification provided. Collection method: literature only. Allele origin: germline. Not counted in ClinVar's aggregate classification.
Comment: This variant has been reported as associated with Long QT syndrome in the following publications (PMID:19716085). This is a literature report, and does not necessarily reflect the clinical interpretation of the Imperial College / Royal Brompton Cardiovascular Genetics laboratory.

Literature cited by the submitters: PubMed 28606196 (cited by 3 submitters); PubMed 32383558 (cited by 5 submitters); PubMed 28438721 (cited by Victorian Clinical Genetics Services, Murdoch Childrens Research Institute); PubMed 19716085 (cited by 6 submitters); PubMed 20301308 (cited by Victorian Clinical Genetics Services, Murdoch Childrens Research Institute); PubMed 19632626 (cited by Victorian Clinical Genetics Services, Murdoch Childrens Research Institute); PubMed 32893267 (cited by All of Us Research Program, National Institutes of Health and Color Diagnostics, LLC DBA Color Health); PubMed 2313012 (cited by Labcorp Genetics (formerly Invitae), Labcorp); PubMed 9386136 (cited by Labcorp Genetics (formerly Invitae), Labcorp); PubMed 14998624 (cited by Labcorp Genetics (formerly Invitae), Labcorp); PubMed 22949429 (cited by Labcorp Genetics (formerly Invitae), Labcorp); PubMed 23098067 (cited by Labcorp Genetics (formerly Invitae), Labcorp); PubMed 22581653 (cited by Cardiovascular Biomedical Research Unit, Royal Brompton & Harefield NHS Foundation Trust).